The following is an entry in ClinVar:

ClinVar aggregate classification (germline): Uncertain significance (1 of 4 stars; one submission).

Conditions:
Cardiovascular phenotype. Identifiers: MedGen CN230736.
Hereditary cancer-predisposing syndrome. Also called: Hereditary Cancer Syndrome; Neoplastic Syndromes, Hereditary; Tumor predisposition; Hereditary neoplastic syndrome. Identifiers: Orphanet 140162, MedGen C0027672, MeSH D009386, MONDO:0015356.

Submission:

Ambry Genetics
Classification: Uncertain significance for Cardiovascular phenotype; Hereditary cancer-predisposing syndrome. Last evaluated: 2021-01-15. Review status: criteria provided, single submitter. Criteria: Ambry Variant Classification Scheme 2023. Collection method: clinical testing. Allele origin: germline.
Comment: The p.M400I variant (also known as c.1200G>C), located in coding exon 11 of the LZTR1 gene, results from a G to C substitution at nucleotide position 1200. The methionine at codon 400 is replaced by isoleucine, an amino acid with highly similar properties. This amino acid position is highly conserved in available vertebrate species. In addition, the in silico prediction for this alteration is inconclusive. Since supporting evidence is limited at this time, the clinical significance of this alteration remains unclear.

NM_006767.4(LZTR1):c.1200G>C (p.Met400Ile)

Gene: LZTR1 (leucine zipper like post translational regulator 1; plus strand). Cytogenetic location: 22q11.21.
Variant type: single nucleotide variant.
Coding change: c.1200G>C on transcript NM_006767.4 (MANE Select); coding-DNA position 1200, G replaced by C.
Protein change: p.Met400Ile; replaces methionine 400 with isoleucine.
Molecular consequence: missense variant.
Genome position (GRCh38, 1-based): chr22:20,992,844, G>C. VCF-style: chr22-20992844-G-C. GRCh37 (hg19) VCF-style: chr22-21347133-G-C.
Other names: short protein forms M400I.
Identifiers: ClinVar variation 1747489 (VCV001747489.2), dbSNP rs1157115127, ClinGen allele CA410773857.